The following is an entry in ClinVar:

ClinVar aggregate classification (germline): Uncertain significance. Review status: criteria provided, multiple submitters, no conflicts (2 of 4 stars). 2 submissions from 2 submitters: Uncertain significance (2). Last evaluated 2020-07-24.

Conditions:
Familial cancer of breast. Also called: hereditary breast carcinoma; BREAST CANCER, FAMILIAL; Hereditary breast cancer. Identifiers: Orphanet 227535, MedGen C0346153, MONDO:0016419, OMIM 114480. Disease mechanism: loss of function.

Submissions (2):

Labcorp Genetics (formerly Invitae), Labcorp
Classification: Uncertain significance for Familial cancer of breast. Last evaluated: 2020-07-24. Review status: criteria provided, single submitter. Criteria: Invitae Variant Classification Sherloc (09022015). Collection method: clinical testing. Allele origin: germline.
Comment: In summary, the available evidence is currently insufficient to determine the role of this variant in disease. Therefore, it has been classified as a Variant of Uncertain Significance. This sequence change replaces valine with leucine at codon 767 of the PALB2 protein (p.Val767Leu). The valine residue is weakly conserved and there is a small physicochemical difference between valine and leucine. This variant is not present in population databases (ExAC no frequency). This variant has not been reported in the literature in individuals with PALB2-related disease. Algorithms developed to predict the effect of missense changes on protein structure and function (SIFT, PolyPhen-2, Align-GVGD) all suggest that this variant is likely to be tolerated, but these predictions have not been confirmed by published functional studies and their clinical significance is uncertain.

GeneDx
Classification: Uncertain significance. Last evaluated: 2020-01-31. Review status: criteria provided, single submitter. Criteria: GeneDx Variant Classification Process June 2021. Collection method: clinical testing. Allele origin: germline. Affected: yes.
Comment: Not observed in large population cohorts (Lek 2016); In silico analysis supports that this missense variant does not alter protein structure/function; Has not been previously published as pathogenic or benign to our knowledge

NM_024675.4(PALB2):c.2299G>C (p.Val767Leu)

Gene: PALB2 (partner and localizer of BRCA2; minus strand). Cytogenetic location: 16p12.2.
Variant type: single nucleotide variant.
Coding change: c.2299G>C on transcript NM_024675.4 (MANE Select); coding-DNA position 2299, G replaced by C.
Protein change: p.Val767Leu; replaces valine 767 with leucine.
Molecular consequence: missense variant.
Genome position (GRCh38, 1-based): chr16:23,629,855, C>G on the plus strand (G>C on the coding strand, the complement: PALB2 is on the minus strand). VCF-style: chr16-23629855-C-G. GRCh37 (hg19) VCF-style: chr16-23641176-C-G.
Other names: short protein forms V767L.
Identifiers: ClinVar variation 574121 (VCV000574121.11), dbSNP rs1312270645, ClinGen allele CA395125277.